The following is an entry in ClinVar:

NM_000368.5(TSC1):c.1550G>A (p.Arg517Gln)

Gene: TSC1 (TSC complex subunit 1; minus strand). Cytogenetic location: 9q34.13.
Variant type: single nucleotide variant.
Coding change: c.1550G>A on transcript NM_000368.5 (MANE Select); coding-DNA position 1550, G replaced by A.
Protein change: p.Arg517Gln; replaces arginine 517 with glutamine.
Molecular consequence: missense variant.
Genome position (GRCh38, 1-based): chr9:132,906,028, C>T on the plus strand (G>A on the coding strand, the complement: TSC1 is on the minus strand). VCF-style: chr9-132906028-C-T. GRCh37 (hg19) VCF-style: chr9-135781415-C-T.
Other names: p.R517Q:CGG>CAG; c.1547G>A, p.Arg516Gln (NM_001162426.2); c.1397G>A, p.Arg466Gln (NM_001162427.2); c.1187G>A, p.Arg396Gln (NM_001362177.2); short protein forms R517Q, R516Q, R396Q, R466Q.
Identifiers: ClinVar variation 207633 (VCV000207633.22), dbSNP rs371908551, ClinGen allele CA029018.

ClinVar aggregate classification (germline): Conflicting classifications of pathogenicity. Review status: criteria provided, conflicting classifications (1 of 4 stars). 6 submissions from 6 submitters: Uncertain significance (2); Likely benign (4). Last evaluated 2025-12-05.

Conditions:
TSC1-related disorder. Also called: TSC1-related condition.
Hereditary cancer-predisposing syndrome. Also called: Hereditary Cancer Syndrome; Tumor predisposition; Hereditary neoplastic syndrome; Neoplastic Syndromes, Hereditary. Identifiers: Orphanet 140162, MedGen C0027672, MeSH D009386, MONDO:0015356.
Tuberous sclerosis syndrome (TSC). Also called: Tuberous sclerosis; Tuberous Sclerosis Complex. Identifiers: Orphanet 805, MedGen C0041341, MONDO:0001734.
Tuberous sclerosis 1 (TSC1). Identifiers: Orphanet 805, MedGen C1854465, MONDO:0008612, OMIM 191100.

Allele frequency attached by ClinVar (database versions not stated): ExAC 0.00001; gnomAD 0.00001; gnomAD exomes 0.00001; TOPMed 0.00002; ESP Exome Variant Server 0.00008.
gnomAD v4.1: 12 of 1,613,896 alleles (0.00074%); highest among the groups gnomAD compares: Admixed American, 0.0033%; no homozygotes.

Submissions (6):

Labcorp Genetics (formerly Invitae), Labcorp
Classification: Likely benign for Tuberous sclerosis 1. Last evaluated: 2025-12-05. Review status: criteria provided, single submitter. Criteria: Invitae Variant Classification Sherloc (09022015). Collection method: clinical testing. Allele origin: germline.

Color Diagnostics, LLC DBA Color Health
Classification: Uncertain significance for Tuberous sclerosis syndrome. Last evaluated: 2023-11-16. Review status: criteria provided, single submitter. Criteria: ACMG Guidelines, 2015. Collection method: clinical testing. Allele origin: germline.
Comment: This missense variant replaces arginine with glutamine at codon 517 of the TSC1 protein. Computational prediction suggests that this variant may not impact protein structure and function. To our knowledge, functional studies have not been reported for this variant. This variant has not been reported in individuals affected with TSC1-related disorders in the literature. This variant has been identified in 2/251142 chromosomes in the general population by the Genome Aggregation Database (gnomAD). The available evidence is insufficient to determine the role of this variant in disease conclusively. Therefore, this variant is classified as a Variant of Uncertain Significance.

PreventionGenetics, part of Exact Sciences
Classification: Uncertain significance for TSC1-related condition. Last evaluated: 2023-05-04. Review status: criteria provided, single submitter. Criteria: ACMG Guidelines, 2015. Collection method: clinical testing. Allele origin: germline.
Comment: The TSC1 c.1550G>A variant is predicted to result in the amino acid substitution p.Arg517Gln. To our knowledge, this variant has not been reported in the literature. This variant is reported in 2 of ~251,000 alleles in gnomAD. It is interpreted as likely benign in ClinVar. At this time, the clinical significance of this variant is uncertain due to the absence of conclusive functional and genetic evidence.

Ambry Genetics
Classification: Likely benign for Hereditary cancer-predisposing syndrome. Last evaluated: 2022-12-07. Review status: criteria provided, single submitter. Criteria: Ambry Variant Classification Scheme 2023. Collection method: clinical testing. Allele origin: germline.

Genome-Nilou Lab
Classification: Likely benign for Tuberous sclerosis 1. Last evaluated: 2021-11-07. Review status: criteria provided, single submitter. Criteria: ACMG Guidelines, 2015. Collection method: clinical testing. Allele origin: germline. Affected: no.

GeneDx
Classification: Likely benign. Last evaluated: 2021-01-11. Review status: criteria provided, single submitter. Criteria: GeneDx Variant Classification Process June 2021. Collection method: clinical testing. Allele origin: germline. Affected: yes.